The following is an entry in ClinVar:

ClinVar aggregate classification (germline): Uncertain significance. Review status: criteria provided, multiple submitters, no conflicts (2 of 4 stars). 2 submissions from 2 submitters: Uncertain significance (2). Last evaluated 2024-05-07.

Conditions:
Inborn genetic diseases. Identifiers: MedGen C0950123, MeSH D030342.

Allele frequency attached by ClinVar (database versions not stated): gnomAD 0.00001; gnomAD exomes 0.00001; TOPMed 0.00003; ExAC 0.00004.
gnomAD v4.1: 9 of 1,613,902 alleles (0.00056%); highest among the groups gnomAD compares: East Asian, 0.018%; no homozygotes.

Submissions (2):

Labcorp Genetics (formerly Invitae), Labcorp
Classification: Uncertain significance. Last evaluated: 2024-05-07. Review status: criteria provided, single submitter. Criteria: Invitae Variant Classification Sherloc (09022015). Collection method: clinical testing. Allele origin: germline.
Comment: This sequence change replaces alanine, which is neutral and non-polar, with valine, which is neutral and non-polar, at codon 1754 of the DCHS1 protein (p.Ala1754Val). This variant is present in population databases (rs756373893, gnomAD 0.06%). This variant has not been reported in the literature in individuals affected with DCHS1-related conditions. ClinVar contains an entry for this variant (Variation ID: 2176541). Advanced modeling of protein sequence and biophysical properties (such as structural, functional, and spatial information, amino acid conservation, physicochemical variation, residue mobility, and thermodynamic stability) performed at Invitae indicates that this missense variant is not expected to disrupt DCHS1 protein function with a negative predictive value of 80%. In summary, the available evidence is currently insufficient to determine the role of this variant in disease. Therefore, it has been classified as a Variant of Uncertain Significance.

Ambry Genetics
Classification: Uncertain significance for Inborn genetic diseases. Last evaluated: 2023-07-19. Review status: criteria provided, single submitter. Criteria: Ambry Variant Classification Scheme 2023. Collection method: clinical testing. Allele origin: germline.

NM_003737.4(DCHS1):c.5261C>T (p.Ala1754Val)

Gene: DCHS1 (dachsous cadherin-related 1; minus strand). Cytogenetic location: 11p15.4.
Variant type: single nucleotide variant.
Coding change: c.5261C>T on transcript NM_003737.4 (MANE Select); coding-DNA position 5261, C replaced by T.
Protein change: p.Ala1754Val; replaces alanine 1754 with valine.
Molecular consequence: missense variant.
Genome position (GRCh38, 1-based): chr11:6,628,731, G>A on the plus strand (C>T on the coding strand, the complement: DCHS1 is on the minus strand). VCF-style: chr11-6628731-G-A. GRCh37 (hg19) VCF-style: chr11-6649962-G-A.
Other names: c.5261C>T (NM_003737.2); short protein forms A1754V.
Identifiers: ClinVar variation 2176541 (VCV002176541.6), dbSNP rs756373893, ClinGen allele CA5860132.